The following is an entry in ClinVar:

NM_001148.6(ANK2):c.3154C>T (p.Pro1052Ser)

Gene: ANK2 (ankyrin 2; plus strand). Cytogenetic location: 4q26.
Variant type: single nucleotide variant.
Coding change: c.3154C>T on transcript NM_001148.6 (MANE Select); coding-DNA position 3154, C replaced by T.
Protein change: p.Pro1052Ser; replaces proline 1052 with serine.
Molecular consequence: missense variant. On other transcripts: intron variant (42).
Genome position (GRCh38, 1-based): chr4:113,332,000, C>T. VCF-style: chr4-113332000-C-T. GRCh37 (hg19) VCF-style: chr4-114253156-C-T.
Other names: c.3127C>T, p.Pro1043Ser (NM_001127493.3); c.3166C>T, p.Pro1056Ser (NM_001354225.2); c.3196C>T, p.Pro1066Ser (NM_001354231.2, NM_001354242.2); c.3190C>T, p.Pro1064Ser (NM_001354232.2); c.3151C>T, p.Pro1051Ser (NM_001354235.2, NM_001354246.2, NM_001354265.2); c.3232C>T, p.Pro1078Ser (NM_001354237.2); c.3124C>T, p.Pro1042Ser (NM_001354239.2, NM_001354252.2); c.3199C>T, p.Pro1067Ser (NM_001354240.2, NM_001354241.2, NM_001386144.1); and 28 more; short protein forms P1067S, P1043S, P1047S, P1052S, P1066S, P1078S, P1031S, P1035S.
Identifiers: ClinVar variation 2038348 (VCV002038348.4), dbSNP rs1563822593, ClinGen allele CA357935432.

ClinVar aggregate classification (germline): Uncertain significance (1 of 4 stars; one submission).

Conditions:
Long QT syndrome (LQTS). Identifiers: MedGen C0023976, MeSH D008133, MONDO:0002442. Disease mechanism: loss of function. Inheritance: Various modes of inheritance.

Allele frequency attached by ClinVar (database versions not stated): TOPMed below 0.00001; gnomAD 0.00001; gnomAD exomes 0.00001.
gnomAD v4.1: 10 of 1,614,026 alleles (0.00062%); highest among the groups gnomAD compares: Non-Finnish European, 0.00085%; no homozygotes.

Submission:

Labcorp Genetics (formerly Invitae), Labcorp
Classification: Uncertain significance for Long QT syndrome. Last evaluated: 2025-06-06. Review status: criteria provided, single submitter. Criteria: Invitae Variant Classification Sherloc (09022015). Collection method: clinical testing. Allele origin: germline.
Comment: This sequence change replaces proline, which is neutral and non-polar, with serine, which is neutral and polar, at codon 1052 of the ANK2 protein (p.Pro1052Ser). This variant is not present in population databases (gnomAD no frequency). This variant has not been reported in the literature in individuals affected with ANK2-related conditions. ClinVar contains an entry for this variant (Variation ID: 2038348). An algorithm developed to predict the effect of missense changes on protein structure and function (PolyPhen-2) suggests that this variant is likely to be disruptive. In summary, the available evidence is currently insufficient to determine the role of this variant in disease. Therefore, it has been classified as a Variant of Uncertain Significance.